The following is an entry in ClinVar:

NM_001014437.3(CARS1):c.402G>A (p.Thr134=)

Genes: CARS1 (cysteinyl-tRNA synthetase 1; minus strand), CARS1-AS1 (CARS1 antisense RNA 1; plus strand), LOC126861115 (BRD4-independent group 4 enhancer GRCh37_chr11:3061281-3062480; plus strand). Cytogenetic location: 11p15.4.
Variant type: single nucleotide variant.
Coding change: c.402G>A on transcript NM_001014437.3 (MANE Select); coding-DNA position 402, G replaced by A.
Protein change: p.Thr134=; no amino-acid change (threonine 134 retained).
Molecular consequence: synonymous variant. On other transcripts: non-coding transcript variant (5), 5 prime UTR variant (1).
Genome position (GRCh38, 1-based): chr11:3,040,949, C>T on the plus strand (G>A on the coding strand, the complement: CARS1 is on the minus strand). VCF-style: chr11-3040949-C-T. GRCh37 (hg19) VCF-style: chr11-3062179-C-T.
Other names: c.402G>A, p.Thr134= (NM_001194997.2); c.192G>A, p.Thr64= (NM_001378136.1); c.123G>A, p.Thr41= (NM_001378137.1, NM_001378138.1, NM_001378139.1); c.-572G>A (NM_001378140.1); c.153G>A, p.Thr51= (NM_001751.6, NM_139273.4).
Identifiers: ClinVar variation 3026488 (VCV003026488.22), dbSNP rs751941798, ClinGen allele CA5824408.
Genomic context (GRCh38, chr11:3,040,949, plus strand): 5'-GACCTACCTGGCGTGCCCCATGTGAGATGCGTCATAGACGGTTGGCCCACAGCAATACCA[C>T]GTCACCTTTTTCCCATCTTGAGGTATGAACACTTCCTTTGTTAGGAATGAAGGAATGACG-3'
Protein context (NP_001014437.1, residues 124-144): VFIPQDGKKV[Thr134=]WYCCGPTVYD

ClinVar aggregate classification (germline): Likely benign (1 of 4 stars; one submission).

Allele frequency attached by ClinVar (database versions not stated): gnomAD 0.00001; gnomAD exomes 0.00003; TOPMed 0.00004; ExAC 0.00007.
gnomAD v4.1: 39 of 1,614,084 alleles (0.0024%); highest among the groups gnomAD compares: Non-Finnish European, 0.0027%; no homozygotes.

Submission:

CeGaT Center for Human Genetics Tuebingen
Classification: Likely benign. Last evaluated: 2023-12-01. Review status: criteria provided, single submitter. Criteria: CeGaT Center For Human Genetics Tuebingen Variant Classification Criteria Version 2. Collection method: clinical testing. Allele origin: germline. Affected: yes. Observed: 1 variant allele.
Comment: CARS1: BP4, BP7